The following is an entry in ClinVar:

NM_001042492.3(NF1):c.5381T>A (p.Val1794Glu)

Gene: NF1 (neurofibromin 1; plus strand). Cytogenetic location: 17q11.2.
Variant type: single nucleotide variant.
Coding change: c.5381T>A on transcript NM_001042492.3 (MANE Select); coding-DNA position 5381, T replaced by A.
Protein change: p.Val1794Glu; replaces valine 1794 with glutamic acid.
Molecular consequence: missense variant.
Genome position (GRCh38, 1-based): chr17:31,327,611, T>A. VCF-style: chr17-31327611-T-A. GRCh37 (hg19) VCF-style: chr17-29654629-T-A.
Other names: c.5318T>A, p.Val1773Glu (NM_000267.4); short protein forms V1794E, V1773E.
Identifiers: ClinVar variation 4119070 (VCV004119070.1).
Genomic context (GRCh38, chr17:31,327,611, plus strand): 5'-GGCAATCAGTCTTTCTAAATGACATTTATTATGCTTCGGAAATTGAAGAAATCTGCCTAG[T>A]AGATGAGAACCAGTTCACCTTAACCATTGCAAACCAGGGCACGCCGCTCACCTTCATGCA-3'
Protein context (NP_001035957.1, residues 1784-1804): YASEIEEICL[Val1794Glu]DENQFTLTIA

ClinVar aggregate classification (germline): Uncertain significance (1 of 4 stars; one submission).

Conditions:
Cardiovascular phenotype. Identifiers: MedGen CN230736.
Hereditary cancer-predisposing syndrome. Also called: Hereditary neoplastic syndrome; Neoplastic Syndromes, Hereditary; Tumor predisposition; Hereditary Cancer Syndrome. Identifiers: Orphanet 140162, MedGen C0027672, MeSH D009386, MONDO:0015356.

Submission:

Ambry Genetics
Classification: Uncertain significance for Cardiovascular phenotype; Hereditary cancer-predisposing syndrome. Last evaluated: 2025-06-25. Review status: criteria provided, single submitter. Criteria: Ambry Variant Classification Scheme 2023. Collection method: clinical testing. Allele origin: germline.
Comment: The p.V1773E variant (also known as c.5318T>A), located in coding exon 37 of the NF1 gene, results from a T to A substitution at nucleotide position 5318. The valine at codon 1773 is replaced by glutamic acid, an amino acid with dissimilar properties. This amino acid position is conserved. In addition, this alteration is predicted to be deleterious by in silico analysis. Based on the available evidence, the clinical significance of this variant remains unclear.